The following is an entry in ClinVar:

NM_001458.5(FLNC):c.398T>G (p.Leu133Arg)

Gene: FLNC (filamin C; plus strand). Cytogenetic location: 7q32.1.
Variant type: single nucleotide variant.
Coding change: c.398T>G on transcript NM_001458.5 (MANE Select); coding-DNA position 398, T replaced by G.
Protein change: p.Leu133Arg; replaces leucine 133 with arginine.
Molecular consequence: missense variant.
Genome position (GRCh38, 1-based): chr7:128,835,371, T>G. VCF-style: chr7-128835371-T-G. GRCh37 (hg19) VCF-style: chr7-128475425-T-G.
Other names: c.398T>G, p.Leu133Arg (NM_001127487.2); short protein forms L133R.
Identifiers: ClinVar variation 4293947 (VCV004293947.1).
Genomic context (GRCh38, chr7:128,835,371, plus strand): 5'-CCCTCCCCTCTGCAGACAGCAAGGCCATCGTGGATGGGAACCTGAAGCTGATCCTGGGCC[T>G]GATCTGGACGCTGATCCTGCACTACTCCATCTCCATGCCCATGTGGGAGGATGAAGATGA-3'
Protein context (NP_001449.3, residues 123-143): VDGNLKLILG[Leu133Arg]IWTLILHYSI

ClinVar aggregate classification (germline): Uncertain significance (1 of 4 stars; one submission).

Conditions:
FLNC-related disorder. Also called: FLNC-related condition; FLNC-related disorders.

Submission:

3billion
Classification: Uncertain significance for FLNC-related disorder. Last evaluated: 2024-08-04. Review status: criteria provided, single submitter. Criteria: ACMG Guidelines, 2015. Collection method: clinical testing. Allele origin: germline. Affected: yes.
Comment: The variant is not observed in the gnomAD v4.0.0 dataset. Predicted Consequence/Location: The majority of the known disease-causing variants of this gene are variants expected to result in premature termination of the protein. In silico tool predictions suggest damaging effect of the variant on gene or gene product [REVEL: 0.91 (>=0.6, sensitivity 0.68 and specificity 0.92); 3Cnet: 0.45 (>=0.6, sensitivity 0.72 and precision 0.9)]. Therefore, this variant is classified as VUS according to the recommendation of ACMG/AMP guideline.